The following is an entry in ClinVar:

NM_000128.4(F11):c.888C>G (p.Tyr296Ter)

Gene: F11 (coagulation factor XI; plus strand). Cytogenetic location: 4q35.2.
Variant type: single nucleotide variant.
Coding change: c.888C>G on transcript NM_000128.4 (MANE Select); coding-DNA position 888, C replaced by G.
Protein change: p.Tyr296Ter; replaces tyrosine 296 with a stop codon.
Molecular consequence: nonsense. On other transcripts: intron variant (4).
Genome position (GRCh38, 1-based): chr4:186,280,245, C>G. VCF-style: chr4-186280245-C-G. GRCh37 (hg19) VCF-style: chr4-187201399-C-G.
Other names: c.888C>G, p.Tyr296Ter (NM_001440593.1); c.618C>G, p.Tyr206Ter (NM_001440605.1, NM_001440607.1); c.866-26C>G (NM_001440590.1, NM_001440596.1); c.596-26C>G (NM_001440606.1, NM_001440608.1); short protein forms Y206*, Y296*.
Identifiers: ClinVar variation 4817505 (VCV004817505.1).
Genomic context (GRCh38, chr4:186,280,245, plus strand): 5'-AGGGAGGGTCTCACTCTGACATGTGGTCTGCTGTCTAGTGTTCTGCCATTCTTCATTTTA[C>G]CATGACACTGATTTCTTGGGAGAAGAACTGGATATTGTTGCTGCAAAAAGTCACGAGGCC-3'

ClinVar aggregate classification (germline): Likely pathogenic (1 of 4 stars; one submission).

Conditions:
Plasma factor XI deficiency.

Submission:

Natera, Inc.
Classification: Likely pathogenic for Plasma factor XI deficiency. Last evaluated: 2025-06-23. Review status: criteria provided, single submitter. Criteria: Natera Variant Classification Schema (03/2026). Collection method: clinical testing. Allele origin: germline.
Comment: The c.888C>G variant in F11 is a nonsense variant predicted to introduce a stop codon at amino acid 296. This variant is expected to result in nonsense mediated decay, truncation, or a dysfunctional protein product. This variant is rare in the general population with a frequency below the threshold expected for the associated phenotype(s). Given the available evidence, this variant is classified as Likely Pathogenic.